The following is an entry in ClinVar:

NM_138694.4(PKHD1):c.11920_11925delinsACTGTGCCCTGGT (p.Gly3974fs)

Gene: PKHD1 (PKHD1 ciliary IPT domain containing fibrocystin/polyductin; minus strand). Cytogenetic location: 6p12.3.
Variant type: Indel.
Coding change: c.11920_11925delinsACTGTGCCCTGGT on transcript NM_138694.4 (MANE Select); coding-DNA positions 11920 to 11925, GGCATC replaced by ACTGTGCCCTGGT.
Protein change: p.Gly3974fs; shifts the reading frame from glycine 3974.
Molecular consequence: frameshift variant.
Genome position (GRCh38, 1-based): chr6:51,619,381-51,619,386, GATGCC replaced by ACCAGGGCACAGT on the plus strand (GGCATC replaced by ACTGTGCCCTGGT on the coding strand, the reverse complement: PKHD1 is on the minus strand). VCF-style: chr6-51619381-GATGCC-ACCAGGGCACAGT. GRCh37 (hg19) VCF-style: chr6-51484179-GATGCC-ACCAGGGCACAGT.
Other names: short protein forms G3974fs.
Identifiers: ClinVar variation 4816566 (VCV004816566.1).

ClinVar aggregate classification (germline): Likely pathogenic (1 of 4 stars; one submission).

Conditions:
Autosomal recessive polycystic kidney disease (ARPKD). Also called: AR polycystic kidney disease. Identifiers: Orphanet 731, Orphanet 8378, MedGen C0085548, MeSH D017044, MONDO:0009889.

Submission:

Natera, Inc.
Classification: Likely pathogenic for Autosomal recessive polycystic kidney disease. Last evaluated: 2025-12-24. Review status: criteria provided, single submitter. Criteria: Natera Variant Classification Schema (03/2026). Collection method: clinical testing. Allele origin: germline.
Comment: The c.11920_11925delinsACTGTGCCCTGGT variant in PKHD1 is a frameshift variant predicted to shift the reading frame beginning at codon 3974 and leads to a stop codon 68 codons downstream. This variant is expected to result in nonsense mediated decay, truncation, or a dysfunctional protein product. This variant is rare in the general population with a frequency below the threshold expected for the associated phenotype(s). Given the available evidence, this variant is classified as Likely Pathogenic.